The following is an entry in ClinVar:

NM_144999.4(LRRC45):c.211A>T (p.Ser71Cys)

Gene: LRRC45 (leucine rich repeat containing 45; plus strand). Cytogenetic location: 17q25.3.
Variant type: single nucleotide variant.
Coding change: c.211A>T on transcript NM_144999.4 (MANE Select); coding-DNA position 211, A replaced by T.
Protein change: p.Ser71Cys; replaces serine 71 with cysteine.
Molecular consequence: missense variant.
Genome position (GRCh38, 1-based): chr17:82,023,854, A>T. VCF-style: chr17-82023854-A-T. GRCh37 (hg19) VCF-style: chr17-79981730-A-T.
Other names: short protein forms S71C.
Identifiers: ClinVar variation 4987297 (VCV004987297.1).

ClinVar aggregate classification (germline): Uncertain significance (1 of 4 stars; one submission).

Conditions:
LRRC45-related disorder. Also called: LRRC45-related condition.

gnomAD v4.1: 13 of 1,559,496 alleles (0.00083%); highest among the groups gnomAD compares: Non-Finnish European, 0.0011%; no homozygotes.

Submission:

PreventionGenetics, part of Exact Sciences
Classification: Uncertain significance for LRRC45-related condition. Last evaluated: 2024-10-04. Review status: criteria provided, single submitter. Criteria: ACMG Guidelines, 2015. Collection method: clinical testing. Allele origin: germline.
Comment: The LRRC45 c.211A>T variant is predicted to result in the amino acid substitution p.Ser71Cys. To our knowledge, this variant has not been reported in the literature or in a large population database (gnomAD), indicating this variant is rare. At this time, the clinical significance of this variant is uncertain due to the absence of conclusive functional and genetic evidence.